The following is an entry in ClinVar:

NM_004260.4(RECQL4):c.1172G>C (p.Gly391Ala)

Gene: RECQL4 (RecQ like helicase 4; minus strand). Cytogenetic location: 8q24.3.
Variant type: single nucleotide variant.
Coding change: c.1172G>C on transcript NM_004260.4 (MANE Select); coding-DNA position 1172, G replaced by C.
Protein change: p.Gly391Ala; replaces glycine 391 with alanine.
Molecular consequence: missense variant.
Genome position (GRCh38, 1-based): chr8:144,515,850, C>G on the plus strand (G>C on the coding strand, the complement: RECQL4 is on the minus strand). VCF-style: chr8-144515850-C-G. GRCh37 (hg19) VCF-style: chr8-145741234-C-G.
Other names: short protein forms G391A.
Identifiers: ClinVar variation 1019214 (VCV001019214.3), dbSNP rs1225552858, ClinGen allele CA372687689.
Genomic context (GRCh38, chr8:144,515,850, plus strand): 5'-TGATCGAACTGCTCGTTCAGGAAACAAGACTCCTTGGTTGTGACTGTGGCACCACCACCC[C>G]CAAAACACTCCCCTTTCTTCCGCCACTTCTGCTTCCATGCCTGGGGGGTGCCCACATAGG-3'
Protein context (NP_004251.4, residues 381-401): QKWRKKGECF[Gly391Ala]GGGATVTTKE

ClinVar aggregate classification (germline): Uncertain significance (1 of 4 stars; one submission).

Conditions:
Baller-Gerold syndrome (BGS). Also called: CRANIOSYNOSTOSIS WITH RADIAL DEFECTS. Identifiers: Orphanet 1225, MedGen C0265308, MONDO:0009039, OMIM 218600.

Submission:

Labcorp Genetics (formerly Invitae), Labcorp
Classification: Uncertain significance for Baller-Gerold syndrome. Last evaluated: 2020-06-26. Review status: criteria provided, single submitter. Criteria: Invitae Variant Classification Sherloc (09022015). Collection method: clinical testing. Allele origin: germline.
Comment: This sequence change replaces glycine with alanine at codon 391 of the RECQL4 protein (p.Gly391Ala). The glycine residue is highly conserved and there is a small physicochemical difference between glycine and alanine. This variant is not present in population databases (ExAC no frequency). This variant has not been reported in the literature in individuals with RECQL4-related conditions. Experimental studies and prediction algorithms are not available or were not evaluated, and the functional significance of this variant is currently unknown. In summary, the available evidence is currently insufficient to determine the role of this variant in disease. Therefore, it has been classified as a Variant of Uncertain Significance.